The following is an entry in ClinVar:

ClinVar aggregate classification (germline): Pathogenic/Likely pathogenic. Review status: criteria provided, multiple submitters, no conflicts (2 of 4 stars). 2 submissions from 2 submitters: Pathogenic (1); Likely pathogenic (1). Last evaluated 2024-05-27.

Conditions:
TGFB3-related disorder. Also called: TGFB3-related condition.

Submissions (2):

Blueprint Genetics
Classification: Likely pathogenic for TGFB3-related disorders. Last evaluated: 2024-05-27. Review status: criteria provided, single submitter. Criteria: ACMG Guidelines, 2015. Collection method: clinical testing. Allele origin: germline. Affected: yes. Observed: 1 variant allele.

CeGaT Center for Human Genetics Tuebingen
Classification: Pathogenic. Last evaluated: 2022-06-01. Review status: criteria provided, single submitter. Criteria: CeGaT Center For Human Genetics Tuebingen Variant Classification Criteria Version 2. Collection method: clinical testing. Allele origin: germline. Affected: yes. Observed: 1 variant allele.
Comment: TGFB3: PVS1, PM2

NM_003239.5(TGFB3):c.623_624del (p.Val208fs)

Gene: TGFB3 (transforming growth factor beta 3; minus strand). Cytogenetic location: 14q24.3.
Variant type: Microsatellite.
Coding change: c.623_624del on transcript NM_003239.5 (MANE Select); coding-DNA positions 623 to 624, 2 bases deleted (TG; older notation c.623_624delTG).
Protein change: p.Val208fs; shifts the reading frame from valine 208.
Molecular consequence: frameshift variant.
Genome position (GRCh38, 1-based): chr14:75,971,148-75,971,149, CA deleted on the plus strand (TG on the coding strand, the reverse complement: TGFB3 is on the minus strand); deleting any 2 consecutive bases within chr14:75,971,148-75,971,151 gives the same sequence; the c. name uses the placement nearest the transcript's 3' end. VCF-style (leftmost placement, unchanged base first): chr14-75971147-GCA-G. GRCh37 (hg19) VCF-style: chr14-76437490-GCA-G.
Other names: c.623_624del, p.Val208fs (NM_001329938.2, NM_001329939.2); short protein forms V208fs.
Identifiers: ClinVar variation 1701238 (VCV001701238.32), dbSNP rs2140245174, ClinGen allele CA2580612782.